The following is an entry in ClinVar:

NM_014334.4(FRRS1L):c.387G>A (p.Gly129=)

Gene: FRRS1L (ferric chelate reductase 1 like; minus strand). Cytogenetic location: 9q31.3.
Variant type: single nucleotide variant.
Coding change: c.387G>A on transcript NM_014334.4 (MANE Select); coding-DNA position 387, G replaced by A.
Protein change: p.Gly129=; no amino-acid change (glycine 129 retained).
Molecular consequence: synonymous variant.
Genome position (GRCh38, 1-based): chr9:109,147,126, C>T on the plus strand (G>A on the coding strand, the complement: FRRS1L is on the minus strand). VCF-style: chr9-109147126-C-T. GRCh37 (hg19) VCF-style: chr9-111909406-C-T.
Identifiers: ClinVar variation 1107616 (VCV001107616.12), dbSNP rs773843617, ClinGen allele CA5177428.
Genomic context (GRCh38, chr9:109,147,126, plus strand): 5'-AGAGAATCCAACTGCTACCCAACCATCTGTGTCTGCACTCAGCTCAAATTCTACATCAGC[C>T]CCTATCATCCGGTAGCTGAGGAAATAGTCACAGGTCTCTGCATTACAGCCTGGTTTGCCA-3'
Protein context (NP_055149.3, residues 119-139): CDYFLSYRMI[Gly129=]ADVEFELSAD

ClinVar aggregate classification (germline): Likely benign. Review status: criteria provided, multiple submitters, no conflicts (2 of 4 stars). 2 submissions from 2 submitters: Likely benign (2). Last evaluated 2023-03-27.

Conditions:
Developmental and epileptic encephalopathy, 37 (DEE37). Also called: Epileptic encephalopathy, early infantile, 37. Identifiers: MedGen C4310770, MONDO:0014859, OMIM 616981.

Allele frequency attached by ClinVar (database versions not stated): ExAC 0.00001; gnomAD exomes 0.00001 and 0.00002; TOPMed 0.00001; gnomAD 0.00002.
gnomAD v4.1: 38 of 1,612,798 alleles (0.0024%); highest among the groups gnomAD compares: Non-Finnish European, 0.0031%; no homozygotes.

Submissions (2):

Labcorp Genetics (formerly Invitae), Labcorp
Classification: Likely benign for Developmental and epileptic encephalopathy, 37. Last evaluated: 2023-03-27. Review status: criteria provided, single submitter. Criteria: Invitae Variant Classification Sherloc (09022015). Collection method: clinical testing. Allele origin: germline.

GeneDx
Classification: Likely benign. Last evaluated: 2019-03-14. Review status: criteria provided, single submitter. Criteria: GeneDx Variant Classification Process June 2021. Collection method: clinical testing. Allele origin: germline. Affected: yes.
Comment: In silico analysis supports that this variant does not alter splicing; Nucleotide substitution has no predicted effect on splicing and is not conserved across species; Has not been previously published as pathogenic or benign to our knowledge